The following is an entry in ClinVar:

NM_000548.5(TSC2):c.3364del (p.Arg1122fs)

Gene: TSC2 (TSC complex subunit 2; plus strand). Cytogenetic location: 16p13.3.
Variant type: Deletion.
Coding change: c.3364del on transcript NM_000548.5 (MANE Select); coding-DNA position 3364, one base deleted (C; older notation c.3364delC).
Protein change: p.Arg1122fs; shifts the reading frame from arginine 1122.
Molecular consequence: frameshift variant.
Genome position (GRCh38, 1-based): chr16:2,079,636, C deleted; the last of 3 consecutive C bases (chr16:2,079,634-2,079,636); deleting any one gives the same sequence. VCF-style (leftmost placement, unchanged base first): chr16-2079633-TC-T. GRCh37 (hg19) VCF-style: chr16-2129634-TC-T.
Other names: c.3232del, p.Arg1078fs (NM_001077183.3, NM_001370404.1); c.3364del, p.Arg1122fs (NM_001114382.3); c.3124del, p.Arg1042fs (NM_001318827.2); c.3088del, p.Arg1030fs (NM_001318829.2); c.2632del, p.Arg878fs (NM_001318831.2); c.3265del, p.Arg1089fs (NM_001318832.2); c.3235del, p.Arg1079fs (NM_001363528.2, NM_001370405.1, NM_021055.3); short protein forms R1030fs, R1042fs, R1078fs, R1079fs, R1089fs, R1122fs, R878fs.
Identifiers: ClinVar variation 1163385 (VCV001163385.5), dbSNP rs2151446681, ClinGen allele CA2499223317.

ClinVar aggregate classification (germline): Pathogenic (1 of 4 stars; one submission).

Submission:

Mayo Clinic Laboratories, Mayo Clinic
Classification: Pathogenic. Last evaluated: 2020-06-23. Review status: criteria provided, single submitter. Criteria: ACMG Guidelines, 2015. Collection method: clinical testing. Allele origin: germline. Observed: 1 variant allele.
Comment: PVS1, PM2, PP4

Literature cited by the submitters: PubMed 26666243.